The following is an entry in ClinVar:

ClinVar aggregate classification (germline): Uncertain significance (1 of 4 stars; one submission).

gnomAD v4.1: 2 of 1,589,818 alleles (0.00013%); highest among the groups gnomAD compares: Non-Finnish European, 0.000086%; no homozygotes.

Submission:

CeGaT Center for Human Genetics Tuebingen
Classification: Uncertain significance. Last evaluated: 2022-06-01. Review status: criteria provided, single submitter. Criteria: CeGaT Center For Human Genetics Tuebingen Variant Classification Criteria Version 2. Collection method: clinical testing. Allele origin: germline. Affected: yes. Observed: 1 variant allele.
Comment: POLG2: PM2

NM_007215.4(POLG2):c.1219C>A (p.Leu407Ile)

Genes: MILR1 (mast cell immunoglobulin like receptor 1; plus strand), POLG2 (DNA polymerase gamma 2, accessory subunit; minus strand). Cytogenetic location: 17q23.3.
Variant type: single nucleotide variant.
Coding change: c.1219C>A on transcript NM_007215.4 (MANE Select); coding-DNA position 1219, C replaced by A.
Protein change: p.Leu407Ile; replaces leucine 407 with isoleucine.
Molecular consequence: missense variant.
Genome position (GRCh38, 1-based): chr17:64,480,362, G>T on the plus strand (C>A on the coding strand, the complement: POLG2 is on the minus strand). VCF-style: chr17-64480362-G-T. GRCh37 (hg19) VCF-style: chr17-62476479-G-T.
Other names: short protein forms L407I.
Identifiers: ClinVar variation 2648098 (VCV002648098.24), dbSNP rs781903183, ClinGen allele CA400636393.
Genomic context (GRCh38, chr17:64,480,362, plus strand): 5'-GTTCCAATGAGGACTGCATAGTTTCCAAATAACCAGGCCACACAGAAATCCCATTTTCTA[G>T]TAACTCATTAAATAGCCCTTGACAAACCTAGAAAGAAATAGAAAAACTTCAAATATGAAA-3'
Protein context (NP_009146.2, residues 397-417): QVCQGLFNEL[Leu407Ile]ENGISVWPGY